The following is an entry in ClinVar:

ClinVar aggregate classification (germline): Pathogenic (1 of 4 stars; one submission).

Conditions:
Generalized epilepsy with febrile seizures plus, type 9 (GEFSP9). Also called: GEFS+, TYPE 9. Identifiers: Orphanet 36387, MedGen C4015395, MONDO:0014517, OMIM 616172.

Submission:

Labcorp Genetics (formerly Invitae), Labcorp
Classification: Pathogenic for Generalized epilepsy with febrile seizures plus, type 9. Last evaluated: 2023-12-06. Review status: criteria provided, single submitter. Criteria: Invitae Variant Classification Sherloc (09022015). Collection method: clinical testing. Allele origin: germline.
Comment: This sequence change affects a donor splice site in intron 6 of the STX1B gene. It is expected to disrupt RNA splicing. Variants that disrupt the donor or acceptor splice site typically lead to a loss of protein function (PMID: 16199547), and loss-of-function variants in STX1B are known to be pathogenic (PMID: 25362483). This variant is not present in population databases (gnomAD no frequency). Disruption of this splice site has been observed in individual(s) with clinical features of autosomal dominant STX1B-related conditions (Invitae). It has also been observed to segregate with disease in related individuals. ClinVar contains an entry for this variant (Variation ID: 852835). Algorithms developed to predict the effect of sequence changes on RNA splicing suggest that this variant may disrupt the consensus splice site. For these reasons, this variant has been classified as Pathogenic.

Literature cited by the submitters: PubMed 16199547; PubMed 25362483.

NM_052874.5(STX1B):c.463+1G>A

Gene: STX1B (syntaxin 1B; minus strand). Cytogenetic location: 16p11.2.
Variant type: single nucleotide variant.
Coding change: c.463+1G>A on transcript NM_052874.5 (MANE Select); the canonical splice donor site of the intron after coding-DNA position 463, G replaced by A.
Molecular consequence: splice donor variant.
Genome position (GRCh38, 1-based): chr16:30,996,950, C>T on the plus strand (G>A on the coding strand, the complement: STX1B is on the minus strand). VCF-style: chr16-30996950-C-T. GRCh37 (hg19) VCF-style: chr16-31008271-C-T.
Identifiers: ClinVar variation 852835 (VCV000852835.10), dbSNP rs2056596353, ClinGen allele CA395648857.
Genomic context (GRCh38, chr16:30,996,950, plus strand): 5'-CTGGAAGGGGGCTTGGGCAGCCTCAAGGAGTTCGGGGTCCTGGGGTGGGGGGCACACGCA[C>T]TGATCTCCAGTTGCCGCTGGATCCGGTCCTTGCAGCGGTCCCGGTACTTGGACTGGGTCG-3'